The following is an entry in ClinVar:

NM_198597.3(SEC24C):c.333del (p.Ser112fs)

Gene: SEC24C (SEC24 homolog C, COPII component; plus strand). Cytogenetic location: 10q22.2.
Variant type: Deletion.
Coding change: c.333del on transcript NM_198597.3 (MANE Select); coding-DNA position 333, one base deleted (G; older notation c.333delG).
Protein change: p.Ser112fs; shifts the reading frame from serine 112.
Molecular consequence: frameshift variant.
Genome position (GRCh38, 1-based): chr10:73,759,646, G deleted; the last of 3 consecutive G bases (chr10:73,759,644-73,759,646); deleting any one gives the same sequence. VCF-style (leftmost placement, unchanged base first): chr10-73759643-TG-T. GRCh37 (hg19) VCF-style: chr10-75519401-TG-T.
Other names: c.333del, p.Ser112fs (NM_004922.4); short protein forms S112fs.
Identifiers: ClinVar variation 3600349 (VCV003600349.1).

ClinVar aggregate classification (germline): Likely pathogenic (1 of 4 stars; one submission).

Conditions:
Developmental and epileptic encephalopathy. Identifiers: MedGen C5779964, MONDO:0100620.

Submission:

Institute of Human Genetics, University of Goettingen
Classification: Likely pathogenic for Genetic developmental and epileptic encephalopathy. Last evaluated: 2025-01-20. Review status: criteria provided, single submitter. Criteria: ACMG Guidelines, 2015. Collection method: research. Allele origin: biparental. Inheritance: Autosomal recessive inheritance. Affected: yes. Observed: 1 homozygote.
Comment: PVS1 null variant PM2 Absent from controls

Literature cited by the submitters: PubMed 40131364.